The following is an entry in ClinVar:

NM_032578.4(MYPN):c.1973+264G>A

Gene: MYPN (myopalladin; plus strand). Cytogenetic location: 10q21.3.
Variant type: single nucleotide variant.
Coding change: c.1973+264G>A on transcript NM_032578.4 (MANE Select); 264 bases into the intron after coding-DNA position 1973, G replaced by A.
Molecular consequence: intron variant.
Genome position (GRCh38, 1-based): chr10:68,166,930, G>A. VCF-style: chr10-68166930-G-A. GRCh37 (hg19) VCF-style: chr10-69926687-G-A.
Other names: c.1973+264G>A (NM_001256267.2); c.1091+264G>A (NM_001256268.2).
Identifiers: ClinVar variation 683656 (VCV000683656.1), dbSNP rs45594441, ClinGen allele CA13354049.

ClinVar aggregate classification (germline): Benign (1 of 4 stars; one submission).

Allele frequency attached by ClinVar (database versions not stated): 1000 Genomes Project 30x 0.10696; 1000 Genomes Project 0.10743; gnomAD 0.11516 and 0.11733; TOPMed 0.11637.

Submission:

GeneDx
Classification: Benign. Last evaluated: 2018-06-14. Review status: criteria provided, single submitter. Criteria: GeneDx Variant Classification (06012015). Collection method: clinical testing. Allele origin: germline. Affected: yes.
Comment: This variant is considered likely benign or benign based on one or more of the following criteria: it is a conservative change, it occurs at a poorly conserved position in the protein, it is predicted to be benign by multiple in silico algorithms, and/or has population frequency not consistent with disease.